The following is an entry in ClinVar:

ClinVar aggregate classification (germline): Uncertain significance (1 of 4 stars; one submission).

Conditions:
Hereditary cancer-predisposing syndrome. Also called: Hereditary neoplastic syndrome; Neoplastic Syndromes, Hereditary; Tumor predisposition; Hereditary Cancer Syndrome. Identifiers: Orphanet 140162, MedGen C0027672, MeSH D009386, MONDO:0015356.

Submission:

Ambry Genetics
Classification: Uncertain significance for Hereditary cancer-predisposing syndrome. Last evaluated: 2024-12-16. Review status: criteria provided, single submitter. Criteria: Ambry Variant Classification Scheme 2023. Collection method: clinical testing. Allele origin: germline.
Comment: The p.Y445D variant (also known as c.1333T>G), located in coding exon 11 of the CHEK2 gene, results from a T to G substitution at nucleotide position 1333. The tyrosine at codon 445 is replaced by aspartic acid, an amino acid with highly dissimilar properties. This amino acid position is conserved. In addition, the in silico prediction for this alteration is inconclusive. Based on the available evidence, the clinical significance of this variant remains unclear.

NM_007194.4(CHEK2):c.1333T>G (p.Tyr445Asp)

Gene: CHEK2 (checkpoint kinase 2; minus strand). Cytogenetic location: 22q12.1.
Variant type: single nucleotide variant.
Coding change: c.1333T>G on transcript NM_007194.4 (MANE Select); coding-DNA position 1333, T replaced by G.
Protein change: p.Tyr445Asp; replaces tyrosine 445 with aspartic acid.
Molecular consequence: missense variant.
Genome position (GRCh38, 1-based): chr22:28,695,169, A>C on the plus strand (T>G on the coding strand, the complement: CHEK2 is on the minus strand). VCF-style: chr22-28695169-A-C. GRCh37 (hg19) VCF-style: chr22-29091157-A-C.
Other names: c.1462T>G, p.Tyr488Asp (NM_001005735.3); c.670T>G, p.Tyr224Asp (NM_001257387.3); c.1132T>G, p.Tyr378Asp (NM_001349956.3); c.1246T>G, p.Tyr416Asp (NM_145862.3); short protein forms Y224D, Y378D, Y416D, Y445D, Y488D.
Identifiers: ClinVar variation 3832926 (VCV003832926.1).